The following is an entry in ClinVar:

NM_000287.4(PEX6):c.2578C>T (p.Arg860Trp)

Gene: PEX6 (peroxisomal biogenesis factor 6; minus strand). Cytogenetic location: 6p21.1.
Variant type: single nucleotide variant.
Coding change: c.2578C>T on transcript NM_000287.4 (MANE Select); coding-DNA position 2578, C replaced by T.
Protein change: p.Arg860Trp; replaces arginine 860 with tryptophan.
Molecular consequence: missense variant. On other transcripts: non-coding transcript variant (1).
Genome position (GRCh38, 1-based): chr6:42,965,262, G>A on the plus strand (C>T on the coding strand, the complement: PEX6 is on the minus strand). VCF-style: chr6-42965262-G-A. GRCh37 (hg19) VCF-style: chr6-42933000-G-A.
Other names: c.2314C>T, p.Arg772Trp (NM_001316313.2); short protein forms R860W, R772W.
Identifiers: ClinVar variation 492968 (VCV000492968.18), dbSNP rs61753230, ClinGen allele CA138222058.

ClinVar aggregate classification (germline): Pathogenic/Likely pathogenic. Review status: criteria provided, multiple submitters, no conflicts (2 of 4 stars). 7 submissions from 7 submitters: Pathogenic (4); Likely pathogenic (2). 1 of the submissions does not count toward it. Last evaluated 2025-02-05.

Conditions:
PEX6-related disorder. Also called: PEX6-related condition; PEX6-related disorders.
Zellweger spectrum disorders (ZS). Also called: Zellweger syndrome; Zellweger Spectrum Disorder (ZSD); Zellweger Spectrum Disorder; Zellweger Spectrum. Identifiers: Orphanet 912, MedGen C0043459, MONDO:0019609.
Peroxisome biogenesis disorder 4A (Zellweger) (PBD4A). Also called: Zellweger syndrome spectrum (PEX6-related). Identifiers: Orphanet 912, MedGen C3553936, MONDO:0013930, OMIM 614862. Disease mechanism: loss of function.
Peroxisome biogenesis disorder. Identifiers: Orphanet 79189, MedGen C1832200, MONDO:0019234. Disease mechanism: loss of function.

Submissions (7):

SingHealth Duke-NUS Institute of Precision Medicine
Classification: Likely pathogenic for Peroxisome biogenesis disorder 4A (Zellweger). Last evaluated: 2025-02-05. Review status: criteria provided, single submitter. Criteria: PRISM ACMG Classification Criteria. Collection method: clinical testing. Allele origin: germline. Affected: yes.
Comment: REVEL score is 0.953 (PP3_str). Variant is not found in gnomAD exomes/genomes (PM2). Prevalence in affected patients is significantly raised compared to the general population (PS4). Another variant affecting this amino acid residue is classified as pathogenic (PM5, NM_000287.4:c.2579G>A)

Natera, Inc.
Classification: Likely pathogenic for Zellweger syndrome. Last evaluated: 2024-10-23. Review status: criteria provided, single submitter. Criteria: Natera Variant Classification Schema (03/2026). Collection method: clinical testing. Allele origin: germline.
Comment: The c.2578C>T variant in PEX6 is a missense variant predicted to cause substitution of arginine to tryptophan at amino acid 860. This variant is rare in the general population with a frequency below the threshold expected for the associated phenotype(s). This variant has been observed in affected individual(s) with monoallelic occurrence (heterozygous/hemizygous) (PMID: 29220678). Functional studies show that this variant may disrupt protein function (PMID: 29220678). Computational prediction algorithms indicate this variant is likely to affect gene or protein function. Given the available evidence, this variant is classified as Likely Pathogenic.

Labcorp Genetics (formerly Invitae), Labcorp
Classification: Pathogenic for Peroxisome biogenesis disorder. Last evaluated: 2023-10-17. Review status: criteria provided, single submitter. Criteria: Invitae Variant Classification Sherloc (09022015). Collection method: clinical testing. Allele origin: germline.
Comment: This sequence change replaces arginine, which is basic and polar, with tryptophan, which is neutral and slightly polar, at codon 860 of the PEX6 protein (p.Arg860Trp). This variant is not present in population databases (gnomAD no frequency). This missense change has been observed in individual(s) with autosomal dominant Zellweger spectrum, having arisen de novo in three of them (PMID: 19105186, 29220678). In at least one individual the variant was observed to be de novo. ClinVar contains an entry for this variant (Variation ID: 492968). Advanced modeling of protein sequence and biophysical properties (such as structural, functional, and spatial information, amino acid conservation, physicochemical variation, residue mobility, and thermodynamic stability) has been performed at Invitae for this missense variant, however the output from this modeling did not meet the statistical confidence thresholds required to predict the impact of this variant on PEX6 protein function. Experimental studies have shown that this missense change affects PEX6 function (PMID: 29220678). For these reasons, this variant has been classified as Pathogenic.

Clinical Genetics Laboratory, Skane University Hospital Lund
Classification: Pathogenic. Last evaluated: 2023-08-14. Review status: criteria provided, single submitter. Criteria: ACMG Guidelines, 2015. Collection method: clinical testing. Allele origin: germline. Affected: yes.

Blueprint Genetics
Classification: Pathogenic for PEX6-related disorders. Last evaluated: 2023-02-02. Review status: criteria provided, single submitter. Criteria: ACMG Guidelines, 2015. Collection method: clinical testing. Allele origin: germline. Affected: yes. Observed: 1 variant allele.

Mendelics
Classification: Pathogenic for Peroxisome biogenesis disorder 4A (Zellweger). Last evaluated: 2022-05-04. Review status: criteria provided, single submitter. Criteria: Mendelics Assertion Criteria 2019. Collection method: clinical testing. Allele origin: germline.

GeneReviews
No classification provided. Condition: Peroxisome biogenesis disorder. Review status: no classification provided. Collection method: literature only. Allele origin: germline. Not counted in ClinVar's aggregate classification.
Comment: Assoc w/ZSD in the heterozygous state, acting in an apparent dominant fashion due to allelic expression imbalance assoc w/common variant NM_000287.3:c.*442_445delTAAA in the 3-prime UTR that disrupts 1 of 2 polyadenylation sites. Persons who have c.*442_445delTAAA on both chromosomes are unaffected; but those who have c.2578C>T (p.Arg860Trp) on the c.*442_445delTAAA background but lack c.*442_445delTAAA on the opposite chromosome have a 2- to 3-fold-increase in abnormal PEX6 (compared to controls) & biochemical & clinical features consistent w/ZSD.

Literature cited by the submitters: PubMed 29220678 (cited by 3 submitters); PubMed 19105186 (cited by Labcorp Genetics (formerly Invitae), Labcorp); PubMed 20301621 (cited by GeneReviews).